The following is an entry in ClinVar:

ClinVar aggregate classification (germline): Uncertain significance (1 of 4 stars; one submission).

Conditions:
Catecholaminergic polymorphic ventricular tachycardia (CVPT). Also called: Catecholamine-induced polymorphic ventricular tachycardia. Identifiers: Orphanet 3286, MedGen C5574922, MONDO:0017990.

Submission:

All of Us Research Program, National Institutes of Health
Classification: Uncertain significance for Catecholaminergic polymorphic ventricular tachycardia. Last evaluated: 2024-05-30. Review status: criteria provided, single submitter. Criteria: ACMG Guidelines, 2015. Collection method: clinical testing. Allele origin: germline. Inheritance: Autosomal dominant inheritance. Observed: 1 variant allele, 1 heterozygote.
Comment: This missense variant replaces leucine with phenylalanine at codon 1957 of the RYR2 protein. Computational prediction suggests that this variant may not impact protein structure and function (internally defined REVEL score threshold <= 0.5, PMID: 27666373). To our knowledge, functional studies have not been reported for this variant. This variant has not been reported in individuals affected with RYR2-related disorders in the literature. This variant has not been identified in the general population by the Genome Aggregation Database (gnomAD). The available evidence is insufficient to determine the role of this variant in disease conclusively. Therefore, this variant is classified as a Variant of Uncertain Significance.

This study involves interpretation of variants in research participants for the purpose of population health screening. Participant phenotype was not available at the time of variant classification. Additional details can be found in publication PMID: 35346344, PMCID: PMC8962531

NM_001035.3(RYR2):c.5869C>T (p.Leu1957Phe)

Gene: RYR2 (ryanodine receptor 2; plus strand). Cytogenetic location: 1q43.
Variant type: single nucleotide variant.
Coding change: c.5869C>T on transcript NM_001035.3 (MANE Select); coding-DNA position 5869, C replaced by T.
Protein change: p.Leu1957Phe; replaces leucine 1957 with phenylalanine.
Molecular consequence: missense variant.
Genome position (GRCh38, 1-based): chr1:237,617,439, C>T. VCF-style: chr1-237617439-C-T. GRCh37 (hg19) VCF-style: chr1-237780739-C-T.
Other names: short protein forms L1957F.
Identifiers: ClinVar variation 3385747 (VCV003385747.1).